The following is an entry in ClinVar:

ClinVar aggregate classification (germline): Uncertain significance (1 of 4 stars; one submission).

Submission:

Labcorp Genetics (formerly Invitae), Labcorp
Classification: Uncertain significance. Last evaluated: 2022-06-20. Review status: criteria provided, single submitter. Criteria: Invitae Variant Classification Sherloc (09022015). Collection method: clinical testing. Allele origin: germline.
Comment: This sequence change replaces cysteine, which is neutral and slightly polar, with phenylalanine, which is neutral and non-polar, at codon 132 of the RAB33B protein (p.Cys132Phe). This variant is not present in population databases (gnomAD no frequency). This variant has not been reported in the literature in individuals affected with RAB33B-related conditions. Algorithms developed to predict the effect of missense changes on protein structure and function are either unavailable or do not agree on the potential impact of this missense change (SIFT: "Not Available"; PolyPhen-2: "Probably Damaging"; Align-GVGD: "Not Available"). In summary, the available evidence is currently insufficient to determine the role of this variant in disease. Therefore, it has been classified as a Variant of Uncertain Significance.

NM_031296.3(RAB33B):c.395G>T (p.Cys132Phe)

Gene: RAB33B (RAB33B, member RAS oncogene family; plus strand). Cytogenetic location: 4q31.1.
Variant type: single nucleotide variant.
Coding change: c.395G>T on transcript NM_031296.3 (MANE Select); coding-DNA position 395, G replaced by T.
Protein change: p.Cys132Phe; replaces cysteine 132 with phenylalanine.
Molecular consequence: missense variant.
Genome position (GRCh38, 1-based): chr4:139,472,831, G>T. VCF-style: chr4-139472831-G-T. GRCh37 (hg19) VCF-style: chr4-140393985-G-T.
Other names: short protein forms C132F.
Identifiers: ClinVar variation 1520979 (VCV001520979.8), dbSNP rs753002792, ClinGen allele CA358272847.